The following is an entry in ClinVar:

ClinVar aggregate classification (germline): Likely benign (1 of 4 stars; one submission).

Conditions:
ALMS1-related disorder. Also called: ALMS1-related condition.

Allele frequency attached by ClinVar (database versions not stated): gnomAD exomes below 0.00001.
gnomAD v4.1: 1 of 1,614,198 alleles (0.000062%); highest among the groups gnomAD compares: Non-Finnish European, 0.000085%; no homozygotes.

Submission:

PreventionGenetics, part of Exact Sciences
Classification: Likely benign for ALMS1-related condition. Last evaluated: 2020-03-20. Review status: criteria provided, single submitter. Criteria: ACMG Guidelines, 2015. Collection method: clinical testing. Allele origin: germline.
Comment: This variant is classified as likely benign based on ACMG/AMP sequence variant interpretation guidelines (Richards et al. 2015 PMID: 25741868, with internal and published modifications).

NM_001378454.1(ALMS1):c.9354A>G (p.Gly3118=)

Gene: ALMS1 (ALMS1 centrosome and basal body associated protein; plus strand). Cytogenetic location: 2p13.1.
Variant type: single nucleotide variant.
Coding change: c.9354A>G on transcript NM_001378454.1 (MANE Select); coding-DNA position 9354, A replaced by G.
Protein change: p.Gly3118=; no amino-acid change (glycine 3118 retained).
Molecular consequence: synonymous variant.
Genome position (GRCh38, 1-based): chr2:73,491,313, A>G. VCF-style: chr2-73491313-A-G. GRCh37 (hg19) VCF-style: chr2-73718440-A-G.
Other names: c.9357A>G, p.Gly3119= (NM_015120.4).
Identifiers: ClinVar variation 3051855 (VCV003051855.1), dbSNP rs2466220399, ClinGen allele CA427015655.